The following is an entry in ClinVar:

ClinVar aggregate classification (germline): Uncertain significance. Review status: criteria provided, multiple submitters, no conflicts (2 of 4 stars). 2 submissions from 2 submitters: Uncertain significance (2). Last evaluated 2025-02-06.

Conditions:
Cardiac arrhythmia. Also called: Cardiac rhythm disease; Arrhythmia. Identifiers: MedGen C0003811, MONDO:0007263, HP:0011675.
Long QT syndrome (LQTS). Identifiers: MedGen C0023976, MeSH D008133, MONDO:0002442. Disease mechanism: loss of function. Inheritance: Various modes of inheritance.

Allele frequency attached by ClinVar (database versions not stated): TOPMed below 0.00001; ExAC 0.00001; gnomAD 0.00001.

Submissions (2):

Labcorp Genetics (formerly Invitae), Labcorp
Classification: Uncertain significance for Long QT syndrome. Last evaluated: 2025-02-06. Review status: criteria provided, single submitter. Criteria: Invitae Variant Classification Sherloc (09022015). Collection method: clinical testing. Allele origin: germline.
Comment: This sequence change replaces serine, which is neutral and polar, with alanine, which is neutral and non-polar, at codon 253 of the KCNQ1 protein (p.Ser253Ala). This variant is present in population databases (rs764781840, gnomAD 0.01%). This variant has not been reported in the literature in individuals affected with KCNQ1-related conditions. ClinVar contains an entry for this variant (Variation ID: 924383). Invitae Evidence Modeling of protein sequence and biophysical properties (such as structural, functional, and spatial information, amino acid conservation, physicochemical variation, residue mobility, and thermodynamic stability) has been performed for this missense variant. However, the output from this modeling did not meet the statistical confidence thresholds required to predict the impact of this variant on KCNQ1 protein function. In summary, the available evidence is currently insufficient to determine the role of this variant in disease. Therefore, it has been classified as a Variant of Uncertain Significance.

Color Diagnostics, LLC DBA Color Health
Classification: Uncertain significance for Cardiac arrhythmia. Last evaluated: 2021-04-20. Review status: criteria provided, single submitter. Criteria: ACMG Guidelines, 2015. Collection method: clinical testing. Allele origin: germline.
Comment: This missense variant replaces serine with alanine at codon 253 of the KCNQ1 protein. Computational prediction suggests that this variant may have deleterious impact on protein structure and function (internally defined REVEL score threshold >= 0.7, PMID: 27666373). A functional study has shown that this variant does not significantly alter steady-state gating parameters of the potassium channel (PMID: 21320432). This variant has not been reported in individuals affected with cardiovascular disorders in the literature. This variant has been identified in 1/247654 chromosomes in the general population by the Genome Aggregation Database (gnomAD). The available evidence is insufficient to determine the role of this variant in disease conclusively. Therefore, this variant is classified as a Variant of Uncertain Significance.

NM_000218.3(KCNQ1):c.757T>G (p.Ser253Ala)

Gene: KCNQ1 (potassium voltage-gated channel subfamily Q member 1; plus strand). Cytogenetic location: 11p15.5.
Variant type: single nucleotide variant.
Coding change: c.757T>G on transcript NM_000218.3 (MANE Select); coding-DNA position 757, T replaced by G.
Protein change: p.Ser253Ala; replaces serine 253 with alanine.
Molecular consequence: missense variant.
Genome position (GRCh38, 1-based): chr11:2,572,086, T>G. VCF-style: chr11-2572086-T-G. GRCh37 (hg19) VCF-style: chr11-2593316-T-G.
Other names: c.757T>G, p.Ser253Ala (NM_001406836.1); c.487T>G, p.Ser163Ala (NM_001406837.1); c.376T>G, p.Ser126Ala (NM_181798.2); short protein forms S126A, S253A, S163A.
Identifiers: ClinVar variation 924383 (VCV000924383.7), dbSNP rs764781840, ClinGen allele CA040258.